The following is an entry in ClinVar:

NM_001009944.3(PKD1):c.2089C>T (p.Gln697Ter)

Gene: PKD1 (polycystin 1, transient receptor potential channel interacting; minus strand). Cytogenetic location: 16p13.3.
Variant type: single nucleotide variant.
Coding change: c.2089C>T on transcript NM_001009944.3 (MANE Select); coding-DNA position 2089, C replaced by T.
Protein change: p.Gln697Ter; replaces glutamine 697 with a stop codon.
Molecular consequence: nonsense.
Genome position (GRCh38, 1-based): chr16:2,115,386, G>A on the plus strand (C>T on the coding strand, the complement: PKD1 is on the minus strand). VCF-style: chr16-2115386-G-A. GRCh37 (hg19) VCF-style: chr16-2165387-G-A.
Other names: c.2089C>T, p.Gln697Ter (NM_000296.4); short protein forms Q697*.
Identifiers: ClinVar variation 1687587 (VCV001687587.3), dbSNP rs2151816083, ClinGen allele CA394389453.
Genomic context (GRCh38, chr16:2,115,386, plus strand): 5'-GGAAGGTGGCCTGAGGAGATGCAGGGAACAGACCCAGGTCAGGGCCACACACCGAGTACT[G>A]CGCGGGGGGCCCCGCGGGAACGGAGAAGAGGAACTCTCTCCATAGCGCATAGGGGGCCCC-3'

ClinVar aggregate classification (germline): Pathogenic. Review status: criteria provided, multiple submitters, no conflicts (2 of 4 stars). 2 submissions from 2 submitters: Pathogenic (2). Last evaluated 2022-05-22.

Conditions:
Polycystic kidney disease, adult type (PKD1). Also called: POLYCYSTIC KIDNEY DISEASE, ADULT, TYPE I; Polycystic Kidney, Autosomal Dominant; POLYCYSTIC KIDNEY DISEASE 1 WITH OR WITHOUT POLYCYSTIC LIVER DISEASE; Polycystic Kidney Disease 1, Autosomal Dominant; Polycystic kidney disease 1; Polycystic kidney disease 1, severe. Identifiers: MedGen C3149841, MONDO:0008263, OMIM 173900.

Submissions (2):

3billion
Classification: Pathogenic for Polycystic kidney disease, adult type. Last evaluated: 2022-05-22. Review status: criteria provided, single submitter. Criteria: ACMG Guidelines, 2015. Collection method: clinical testing. Allele origin: germline. Affected: yes. Observed: 1 heterozygote.
Comment: The variant is not observed in the gnomAD v2.1.1 dataset. Stop-gained (nonsense): predicted to result in a loss or disruption of normal protein function through nonsense-mediated decay (NMD) or protein truncation. Multiple pathogenic variants are reported downstream of the variant. The variant has been reported to be associated with PKD1 related disorder (PMID: 22508176). Therefore, this variant is classified as pathogenic according to the recommendation of ACMG/AMP guideline.

Juno Genomics, Hangzhou Juno Genomics, Inc
Classification: Pathogenic for Polycystic kidney disease, adult type. Review status: criteria provided, single submitter. Criteria: ACMG Guidelines, 2015. Collection method: clinical testing. Allele origin: germline. Affected: yes.
Comment: Null variant in a gene where loss of function (LOF) is a known mechanism of disease.;Absent from controls (or at extremely low frequency if recessive) in Genome Aggregation Database, Exome Sequencing Project, 1000 Genomes Project, or Exome Aggregation Consortium.;The prevalence of the variant in affected individuals is significantly increased compared to the prevalence in controls.;Patient's phenotype or family history is highly specific for a disease with a single genetic etiology.

Literature cited by the submitters: PubMed 22508176 (cited by 3billion).